The following is an entry in ClinVar:

ClinVar aggregate classification (germline): Uncertain significance (1 of 4 stars; one submission).

Submission:

Labcorp Genetics (formerly Invitae), Labcorp
Classification: Uncertain significance. Last evaluated: 2023-11-27. Review status: criteria provided, single submitter. Criteria: Invitae Variant Classification Sherloc (09022015). Collection method: clinical testing. Allele origin: germline.
Comment: This sequence change replaces serine with isoleucine at codon 284 of the IL6R protein (p.Ser284Ile). The serine residue is weakly conserved and there is a large physicochemical difference between serine and isoleucine. This variant is present in population databases (no rsID available, gnomAD 0.001%). This variant has not been reported in the literature in individuals affected with IL6R-related conditions. ClinVar contains an entry for this variant (Variation ID: 1448778). An algorithm developed to predict the effect of missense changes on protein structure and function (PolyPhen-2) suggests that this variant¬†is likely to be tolerated. In summary, the available evidence is currently insufficient to determine the role of this variant in disease. Therefore, it has been classified as a Variant of Uncertain Significance.

NM_000565.4(IL6R):c.851_852delinsTT (p.Ser284Ile)

Gene: IL6R (interleukin 6 receptor; plus strand). Cytogenetic location: 1q21.3.
Variant type: Indel.
Coding change: c.851_852delinsTT on transcript NM_000565.4 (MANE Select); coding-DNA positions 851 to 852, GC replaced by TT.
Protein change: p.Ser284Ile; replaces serine 284 with isoleucine.
Molecular consequence: missense variant.
Genome position (GRCh38, 1-based): chr1:154,436,012-154,436,013, GC replaced by TT. VCF-style: chr1-154436012-GC-TT. GRCh37 (hg19) VCF-style: chr1-154408488-GC-TT.
Other names: c.851_852delinsTT, p.Ser284Ile (NM_001206866.2, NM_001382769.1, NM_001382770.1 and 3 more transcripts); c.845_846delinsTT, p.Ser282Ile (NM_001382772.1); c.491_492delinsTT, p.Ser164Ile (NM_001382774.1); short protein forms S164I, S282I, S284I.
Identifiers: ClinVar variation 1448778 (VCV001448778.4), dbSNP rs2149245797, ClinGen allele CA2573131069.